The following is an entry in ClinVar:

NM_001375462.1(LPP):c.1589+8A>G

Gene: LPP (LIM domain containing preferred translocation partner in lipoma; plus strand). Cytogenetic location: 3q28.
Variant type: single nucleotide variant.
Coding change: c.1589+8A>G on transcript NM_001375462.1 (MANE Select); 8 bases into the intron after coding-DNA position 1589, A replaced by G.
Molecular consequence: intron variant.
Genome position (GRCh38, 1-based): chr3:188,866,386, A>G. VCF-style: chr3-188866386-A-G. GRCh37 (hg19) VCF-style: chr3-188584174-A-G.
Other names: c.1589+8A>G (NM_001375457.1, NM_001375456.1, NM_001387667.1 and 21 more transcripts); c.1148+8A>G (NM_001167672.3); c.1100+8A>G (NM_001387676.1, NM_001387675.1).
Identifiers: ClinVar variation 3052982 (VCV003052982.2), dbSNP rs773525518, ClinGen allele CA2751588.

ClinVar aggregate classification (germline): Likely benign (0 of 4 stars; one submission).

Conditions:
LPP-related disorder. Also called: LPP-related condition.

Allele frequency attached by ClinVar (database versions not stated): ExAC 0.00001; gnomAD exomes 0.00001; TOPMed 0.00001.
gnomAD v4.1: 4 of 1,447,986 alleles (0.00028%); highest among the groups gnomAD compares: Non-Finnish European, 0.00037%; no homozygotes.

Submission:

PreventionGenetics, part of Exact Sciences
Classification: Likely benign for LPP-related condition. Last evaluated: 2019-09-05. Review status: no assertion criteria provided. Collection method: clinical testing. Allele origin: germline.
Comment: This variant is classified as likely benign based on ACMG/AMP sequence variant interpretation guidelines (Richards et al. 2015 PMID: 25741868, with internal and published modifications).